The following is an entry in ClinVar:

NM_001378452.1(ITPR1):c.3161+3A>G

Gene: ITPR1 (inositol 1,4,5-trisphosphate receptor type 1; plus strand). Cytogenetic location: 3p26.1.
Variant type: single nucleotide variant.
Coding change: c.3161+3A>G on transcript NM_001378452.1 (MANE Select); 3 bases into the intron after coding-DNA position 3161, A replaced by G.
Molecular consequence: intron variant.
Genome position (GRCh38, 1-based): chr3:4,681,421, A>G. VCF-style: chr3-4681421-A-G. GRCh37 (hg19) VCF-style: chr3-4723105-A-G.
Other names: c.3134+3A>G (NM_001099952.4); c.3116+3A>G (NM_001168272.2); c.3089+3A>G (NM_002222.7).
Identifiers: ClinVar variation 2764493 (VCV002764493.3), dbSNP rs2469787953, ClinGen allele CA2697550641.

ClinVar aggregate classification (germline): Uncertain significance (1 of 4 stars; one submission).

Submission:

Labcorp Genetics (formerly Invitae), Labcorp
Classification: Uncertain significance. Last evaluated: 2024-03-19. Review status: criteria provided, single submitter. Criteria: Invitae Variant Classification Sherloc (09022015). Collection method: clinical testing. Allele origin: germline.
Comment: This sequence change falls in intron 25 of the ITPR1 gene. It does not directly change the encoded amino acid sequence of the ITPR1 protein. It affects a nucleotide within the consensus splice site. This variant is not present in population databases (gnomAD no frequency). This variant has not been reported in the literature in individuals affected with ITPR1-related conditions. Variants that disrupt the consensus splice site are a relatively common cause of aberrant splicing (PMID: 17576681, 9536098). Algorithms developed to predict the effect of sequence changes on RNA splicing suggest that this variant may disrupt the consensus splice site. In summary, the available evidence is currently insufficient to determine the role of this variant in disease. Therefore, it has been classified as a Variant of Uncertain Significance.

Literature cited by the submitters: PubMed 17576681; PubMed 9536098.